The following is an entry in ClinVar:

ClinVar aggregate classification (germline): Pathogenic (1 of 4 stars; one submission).

Conditions:
Inborn genetic diseases. Identifiers: MedGen C0950123, MeSH D030342.

Submission:

Ambry Genetics
Classification: Pathogenic for Inborn genetic diseases. Last evaluated: 2023-01-30. Review status: criteria provided, single submitter. Criteria: Ambry Variant Classification Scheme 2023. Collection method: clinical testing. Allele origin: germline.
Comment: The c.3931dupT (p.S1311Ffs*3) alteration, located in exon 26 (coding exon 26) of the GEMIN5 gene, consists of a duplication of T at position 3931, causing a translational frameshift with a predicted alternate stop codon after 3 amino acids. This alteration is expected to result in loss of function by premature protein truncation or nonsense-mediated mRNA decay. This variant was not reported in population-based cohorts in the Genome Aggregation Database (gnomAD). Based on the available evidence, this alteration is classified as pathogenic.

NM_015465.5(GEMIN5):c.3931dup (p.Ser1311fs)

Gene: GEMIN5 (gem nuclear organelle associated protein 5; minus strand). Cytogenetic location: 5q33.2.
Variant type: Duplication.
Coding change: c.3931dup on transcript NM_015465.5 (MANE Select); coding-DNA position 3931, one base duplicated (T; older notation c.3931dupT).
Protein change: p.Ser1311fs; shifts the reading frame from serine 1311.
Molecular consequence: frameshift variant.
Genome position (GRCh38, 1-based): chr5:154,891,572, A duplicated on the plus strand (T on the coding strand, the reverse complement: GEMIN5 is on the minus strand). VCF-style (leftmost placement, unchanged base first): chr5-154891571-G-GA. GRCh37 (hg19) VCF-style: chr5-154271131-G-GA.
Other names: c.3928dup, p.Ser1310fs (NM_001252156.2); short protein forms S1310fs, S1311fs.
Identifiers: ClinVar variation 2468837 (VCV002468837.2), dbSNP rs2481034140, ClinGen allele CA2580073927.